The following is an entry in ClinVar:

ClinVar aggregate classification (germline): Uncertain significance (1 of 4 stars; one submission).

Submission:

Labcorp Genetics (formerly Invitae), Labcorp
Classification: Uncertain significance. Last evaluated: 2023-08-03. Review status: criteria provided, single submitter. Criteria: Invitae Variant Classification Sherloc (09022015). Collection method: clinical testing. Allele origin: germline.
Comment: In summary, the available evidence is currently insufficient to determine the role of this variant in disease. Therefore, it has been classified as a Variant of Uncertain Significance. Advanced modeling of protein sequence and biophysical properties (such as structural, functional, and spatial information, amino acid conservation, physicochemical variation, residue mobility, and thermodynamic stability) performed at Invitae indicates that this missense variant is expected to disrupt NR3C2 protein function. This variant has not been reported in the literature in individuals affected with NR3C2-related conditions. This variant is not present in population databases (gnomAD no frequency). This sequence change replaces asparagine, which is neutral and polar, with serine, which is neutral and polar, at codon 770 of the NR3C2 protein (p.Asn770Ser).

NM_000901.5(NR3C2):c.2309A>G (p.Asn770Ser)

Gene: NR3C2 (nuclear receptor subfamily 3 group C member 2; minus strand). Cytogenetic location: 4q31.23.
Variant type: single nucleotide variant.
Coding change: c.2309A>G on transcript NM_000901.5 (MANE Select); coding-DNA position 2309, A replaced by G.
Protein change: p.Asn770Ser; replaces asparagine 770 with serine.
Molecular consequence: missense variant. On other transcripts: intron variant (2).
Genome position (GRCh38, 1-based): chr4:148,154,607, T>C on the plus strand (A>G on the coding strand, the complement: NR3C2 is on the minus strand). VCF-style: chr4-148154607-T-C. GRCh37 (hg19) VCF-style: chr4-149075758-T-C.
Other names: c.2015-1994A>G (NM_001354819.1, NM_001166104.2); short protein forms N770S.
Identifiers: ClinVar variation 3021813 (VCV003021813.3), dbSNP rs2530688891, ClinGen allele CA358426308.